The following is an entry in ClinVar:

ClinVar aggregate classification (germline): Uncertain significance. Review status: criteria provided, multiple submitters, no conflicts (2 of 4 stars). 2 submissions from 2 submitters: Uncertain significance (2). Last evaluated 2025-05-12.

Submissions (2):

Labcorp Genetics (formerly Invitae), Labcorp
Classification: Uncertain significance. Last evaluated: 2025-05-12. Review status: criteria provided, single submitter. Criteria: Invitae Variant Classification Sherloc (09022015). Collection method: clinical testing. Allele origin: germline.
Comment: This sequence change replaces leucine, which is neutral and non-polar, with valine, which is neutral and non-polar, at codon 68 of the TNFAIP3 protein (p.Leu68Val). This variant is not present in population databases (gnomAD no frequency). This variant has not been reported in the literature in individuals affected with TNFAIP3-related conditions. ClinVar contains an entry for this variant (Variation ID: 3393736). Invitae Evidence Modeling of protein sequence and biophysical properties (such as structural, functional, and spatial information, amino acid conservation, physicochemical variation, residue mobility, and thermodynamic stability) indicates that this missense variant is not expected to disrupt TNFAIP3 protein function with a negative predictive value of 80%. In summary, the available evidence is currently insufficient to determine the role of this variant in disease. Therefore, it has been classified as a Variant of Uncertain Significance.

GeneDx
Classification: Uncertain significance. Last evaluated: 2024-07-03. Review status: criteria provided, single submitter. Criteria: GeneDx Variant Classification Process June 2021. Collection method: clinical testing. Allele origin: germline. Affected: yes.
Comment: Not observed at significant frequency in large population cohorts (gnomAD); In silico analysis indicates that this missense variant does not alter protein structure/function; Has not been previously published as pathogenic or benign to our knowledge

NM_001270508.2(TNFAIP3):c.202C>G (p.Leu68Val)

Gene: TNFAIP3 (TNF alpha induced protein 3; plus strand). Cytogenetic location: 6q23.3.
Variant type: single nucleotide variant.
Coding change: c.202C>G on transcript NM_001270508.2 (MANE Select); coding-DNA position 202, C replaced by G.
Protein change: p.Leu68Val; replaces leucine 68 with valine.
Molecular consequence: missense variant.
Genome position (GRCh38, 1-based): chr6:137,871,429, C>G. VCF-style: chr6-137871429-C-G. GRCh37 (hg19) VCF-style: chr6-138192566-C-G.
Other names: c.202C>G, p.Leu68Val (NM_001270507.2, NM_006290.4); short protein forms L68V.
Identifiers: ClinVar variation 3393736 (VCV003393736.2).